The following is an entry in ClinVar:

ClinVar aggregate classification (germline): Uncertain significance (1 of 4 stars; one submission).

Conditions:
Inborn genetic diseases. Identifiers: MedGen C0950123, MeSH D030342.

Submission:

Ambry Genetics
Classification: Uncertain significance for Inborn genetic diseases. Last evaluated: 2026-01-04. Review status: criteria provided, single submitter. Criteria: Ambry Variant Classification Scheme 2023. Collection method: clinical testing. Allele origin: germline.
Comment: The p.N946Y variant (also known as c.2836A>T), located in coding exon 1 of the SAMD9 gene, results from an A to T substitution at nucleotide position 2836. The asparagine at codon 946 is replaced by tyrosine, an amino acid with dissimilar properties. This amino acid position is conserved. In addition, this alteration is predicted to be tolerated by in silico analysis. Based on the available evidence, the clinical significance of this variant remains unclear.

NM_017654.4(SAMD9):c.2836A>T (p.Asn946Tyr)

Gene: SAMD9 (sterile alpha motif domain containing 9; minus strand). Cytogenetic location: 7q21.2.
Variant type: single nucleotide variant.
Coding change: c.2836A>T on transcript NM_017654.4 (MANE Select); coding-DNA position 2836, A replaced by T.
Protein change: p.Asn946Tyr; replaces asparagine 946 with tyrosine.
Molecular consequence: missense variant.
Genome position (GRCh38, 1-based): chr7:93,103,262, T>A on the plus strand (A>T on the coding strand, the complement: SAMD9 is on the minus strand). VCF-style: chr7-93103262-T-A. GRCh37 (hg19) VCF-style: chr7-92732575-T-A.
Other names: c.2836A>T, p.Asn946Tyr (NM_001193307.2); short protein forms N946Y.
Identifiers: ClinVar variation 4843129 (VCV004843129.1).